The following is an entry in ClinVar:

NM_001042492.3(NF1):c.3467A>G (p.Asn1156Ser)

Gene: NF1 (neurofibromin 1; plus strand). Cytogenetic location: 17q11.2.
Variant type: single nucleotide variant.
Coding change: c.3467A>G on transcript NM_001042492.3 (MANE Select); coding-DNA position 3467, A replaced by G.
Protein change: p.Asn1156Ser; replaces asparagine 1156 with serine.
Molecular consequence: missense variant.
Genome position (GRCh38, 1-based): chr17:31,232,852, A>G. VCF-style: chr17-31232852-A-G. GRCh37 (hg19) VCF-style: chr17-29559870-A-G.
Other names: c.3467A>G, p.Asn1156Ser (NM_000267.4); short protein forms N1156S.
Identifiers: ClinVar variation 68332 (VCV000068332.29), dbSNP rs199474764, ClinGen allele CA219510.
Genomic context (GRCh38, chr17:31,232,852, plus strand): 5'-GGAGGCTGGCATCACTGAGGCACTGTACGGTCCTTGCAATGTCAAACTTACTCAATGCCA[A>G]CGTAGACAGTGGTCTCATGCACTCCATAGGTGAGATCAAATGAAAGTTTCATATAGAAAT-3'
Protein context (NP_001035957.1, residues 1146-1166): VLAMSNLLNA[Asn1156Ser]VDSGLMHSIG

ClinVar aggregate classification (germline): Conflicting classifications of pathogenicity. Review status: criteria provided, conflicting classifications (1 of 4 stars). 12 submissions from 12 submitters: Pathogenic (5); Likely pathogenic (3); Uncertain significance (3). 1 of the submissions does not count toward it. Last evaluated 2026-10-13.

Conditions:
NF1-related disorder. Also called: NF1-related condition. Identifiers: MedGen CN379171.
Cardiovascular phenotype. Identifiers: MedGen CN230736.
Hereditary cancer-predisposing syndrome. Also called: Hereditary neoplastic syndrome; Hereditary Cancer Syndrome; Neoplastic Syndromes, Hereditary; Tumor predisposition. Identifiers: Orphanet 140162, MedGen C0027672, MeSH D009386, MONDO:0015356.
Neurofibromatosis, familial spinal (FSNF). Identifiers: Orphanet 636, MedGen C1834235, MONDO:0008078, OMIM 162210. Disease mechanism: loss of function.
Juvenile myelomonocytic leukemia (JMML). Also called: LEUKEMIA, JUVENILE MYELOMONOCYTIC, SOMATIC. Identifiers: Orphanet 86834, MedGen C0349639, MONDO:0011908, OMIM 607785, HP:0012209.
Neurofibromatosis-Noonan syndrome (NFNS). Also called: NEUROFIBROMATOSIS WITH NOONAN PHENOTYPE. Identifiers: Orphanet 638, MedGen C2931482, MONDO:0011035, OMIM 601321. Disease mechanism: loss of function.
Café-au-lait macules with pulmonary stenosis (WTSN). Also called: PULMONIC STENOSIS WITH CAFE-AU-LAIT SPOTS. Identifiers: MedGen C0553586, MONDO:0008672, OMIM 193520.
Neurofibromatosis, type 1 (NF1). Also called: Peripheral type neurofibromatosis; Neurofibromatosis, type I; VON RECKLINGHAUSEN DISEASE; NEUROFIBROMATOSIS, TYPE I, SOMATIC. Identifiers: Orphanet 636, MedGen C0027831, MONDO:0018975, OMIM 162200. Disease mechanism: loss of function.

Allele frequency attached by ClinVar (database versions not stated): gnomAD exomes below 0.00001; TOPMed below 0.00001; ExAC 0.00001; ESP Exome Variant Server 0.00008.

Submissions (12):

GeneDx
Classification: Pathogenic. Last evaluated: 2026-10-13. Review status: criteria provided, single submitter. Criteria: GeneDx Variant Classification Process June 2021. Collection method: clinical testing. Allele origin: germline.
Comment: Not observed at significant frequency in large population cohorts (gnomAD); In silico analysis supports that this missense variant has a deleterious effect on protein structure/function; This variant is associated with the following publications: (PMID: 31617914, 24789688, 24803665, 25074460, 10712197, 34449562, 22807134, 2121369, 25486365, 38324470)

Labcorp Genetics (formerly Invitae), Labcorp
Classification: Pathogenic for Neurofibromatosis, type 1. Last evaluated: 2025-06-15. Review status: criteria provided, single submitter. Criteria: Invitae Variant Classification Sherloc (09022015). Collection method: clinical testing. Allele origin: germline.
Comment: This sequence change replaces asparagine, which is neutral and polar, with serine, which is neutral and polar, at codon 1156 of the NF1 protein (p.Asn1156Ser). This variant is present in population databases (rs199474764, gnomAD 0.0009%). This missense change has been observed in individual(s) with clinical features consistent with neurofibromatosis, type 1 (PMID: 10712197, 24789688; internal data). In at least one individual the variant was observed to be de novo. Invitae Evidence Modeling of clinical and family history, age, sex, and reported ancestry of multiple individuals with this NF1 variant has been performed. This variant is expected to be pathogenic with a positive predictive value of at least 99%. This is a validated machine learning model that incorporates the clinical features of 1,785,918 individuals referred to our laboratory for NF1 testing. ClinVar contains an entry for this variant (Variation ID: 68332). Invitae Evidence Modeling of protein sequence and biophysical properties (such as structural, functional, and spatial information, amino acid conservation, physicochemical variation, residue mobility, and thermodynamic stability) indicates that this missense variant is expected to disrupt NF1 protein function with a positive predictive value of 95%. This variant disrupts the p.Asn1156 amino acid residue in NF1. Other variant(s) that disrupt this residue have been determined to be pathogenic (internal data). This suggests that this residue is clinically significant, and that variants that disrupt this residue are likely to be disease-causing. For these reasons, this variant has been classified as Pathogenic.

Institute of Human Genetics, University of Leipzig Medical Center
Classification: Pathogenic for Neurofibromatosis, type 1. Last evaluated: 2025-03-04. Review status: criteria provided, single submitter. Criteria: ACMG Guidelines, 2015. Collection method: clinical testing. Allele origin: unknown. Inheritance: Autosomal dominant inheritance. Affected: yes.
Comment: Criteria applied: PVS1(RNA),PS4_MOD,PM2

Women's Health and Genetics/Laboratory Corporation of America, LabCorp
Classification: Pathogenic for Neurofibromatosis, type 1. Last evaluated: 2025-01-21. Review status: criteria provided, single submitter. Criteria: LabCorp Variant Classification Summary - May 2015. Collection method: clinical testing. Allele origin: germline.
Comment: Variant summary: NF1 c.3467A>G (p.Asn1156Ser) results in a conservative amino acid change in the encoded protein sequence. Three of five in-silico tools predict a damaging effect of the variant on protein function. Several computational tools predict a significant impact on normal splicing: One predict the variant abolishes a cryptic exonic 3' acceptor site. Two predict the variant creates an alternate cryptic exonic 3' acceptor site. However, these predictions have yet to be confirmed by functional studies. The variant allele was found at a frequency of 4e-06 in 251354 control chromosomes. c.3467A>G has been reported in the literature in individuals affected with Neurofibromatosis Type 1 (e.g. Xu_2014, Fahsold_2020), although a congruence to NF1 pseudogene sequence was reported in at-least one of these reports (Fahsold_2020). Additionally, this variant has been observed in multiple cases with clinical features of Neurofibromatosis, Type 1 tested at our laboratory and data shared by the NF1 VCEP group, University of Alabama (personal correspondence). These data indicate that the variant is very likely to be associated with disease. To our knowledge, no experimental evidence demonstrating an impact on protein function has been reported. The following publications have been ascertained in the context of this evaluation (PMID: 10712197, 31617914, 24789688). ClinVar contains an entry for this variant (Variation ID: 68332). Based on the evidence outlined above, the variant was classified as pathogenic.

Ambry Genetics
Classification: Pathogenic for Cardiovascular phenotype; Hereditary cancer-predisposing syndrome. Last evaluated: 2024-11-15. Review status: criteria provided, single submitter. Criteria: Ambry Variant Classification Scheme 2023. Collection method: clinical testing. Allele origin: germline.
Comment: The p.N1156S variant (also known as c.3467A>G), located in coding exon 26 of the NF1 gene, results from an A to G substitution at nucleotide position 3467. The asparagine at codon 1156 is replaced by serine, an amino acid with highly similar properties. This alteration has been identified in multiple individuals with a clinical diagnosis of neurofibromatosis type 1 (NF1) and has been identified de novo in several cases (Xu W et al. Int J Mol Med, 2014 Jul;34:53-60; Fahsold R et al. Am. J. Hum. Genet. 2000; 66:790-818; Togi S et al. Curr Issues Mol Biol, 2021 Jul;43:782-801; external communication). This amino acid position is highly conserved in available vertebrate species. In addition, this alteration is predicted to be tolerated by in silico analysis. Based on the supporting evidence, this variant is interpreted as a disease-causing mutation.

Blueprint Genetics
Classification: Likely pathogenic for NF1-related disorders. Last evaluated: 2024-08-08. Review status: criteria provided, single submitter. Criteria: ACMG Guidelines, 2015. Collection method: clinical testing. Allele origin: germline. Affected: yes. Observed: 3 variant alleles.

Baylor Genetics
Classification: Uncertain significance for Juvenile myelomonocytic leukemia. Last evaluated: 2023-10-24. Review status: criteria provided, single submitter. Criteria: ACMG Guidelines, 2015. Collection method: clinical testing. Allele origin: unknown.

Institute of Human Genetics, Clinical Exome/Genome Diagnostics Group, University Hospital Bonn
Classification: Uncertain significance. Last evaluated: 2022-01-26. Review status: criteria provided, single submitter. Criteria: ACMG Guidelines, 2015. Collection method: clinical testing. Allele origin: germline.
Comment: PP2, PP5, PS4

ARUP Laboratories, Molecular Genetics and Genomics, ARUP Laboratories
Classification: Uncertain significance. Last evaluated: 2019-05-22. Review status: criteria provided, single submitter. Criteria: ARUP Molecular Germline Variant Investigation Process. Collection method: clinical testing. Allele origin: germline.
Comment: The NF1 c.3467A>G; p.Asn1156Ser variant (rs199474764) has been described in individuals affected with neurofibromatosis type 1 (NF1; Fahsold 2000, Xu 2014). It is observed on only one allele in the Genome Aggregation Database, indicating it is not a common polymorphism. The asparagine at codon 1156 is highly conserved, and computational algorithms (PolyPhen-2, SIFT) predict that this variant is deleterious. Additionally, computational splicing programs (Alamut v.2.11) predict that this variant impacts splicing by creating a cryptic splice acceptor site, and analysis of mRNA from peripheral blood of an individual harboring this variant demonstrated aberrant splicing leading to exon skipping (Xu 2014). However, this study did not quantify the amount of incorrectly spliced transcript. Due to limited information regarding this variant, its clinical significance cannot be determined with certainty. REFERNECES Fahsold R et al. Minor lesion mutational spectrum of the entire NF1 gene does not explain its high mutability but points to a functional domain upstream of the GAP-related domain. Am J Hum Genet. 2000 Mar;66(3):790-818. Xu W et al. Fifty-four novel mutations in the NF1 gene and integrated analyses of the mutations that modulate splicing. Int J Mol Med. 2014 Jul;34(1):53-60.

Genesis Genomics
Classification: Likely pathogenic for Neurofibromatosis, type 1. Review status: criteria provided, single submitter. Criteria: ACMG Guidelines, 2015. Collection method: clinical testing. Allele origin: germline. Affected: yes. Observed: 1 variant allele.

Juno Genomics, Hangzhou Juno Genomics, Inc
Classification: Likely pathogenic for Neurofibromatosis, type 1; Juvenile myelomonocytic leukemia; Neurofibromatosis, familial spinal; Neurofibromatosis-Noonan syndrome; Café-au-lait macules with pulmonary stenosis. Review status: criteria provided, single submitter. Criteria: ACMG Guidelines, 2015. Collection method: clinical testing. Allele origin: germline. Affected: yes.
Comment: Absent from controls (or at extremely low frequency if recessive) in Genome Aggregation Database, Exome Sequencing Project, 1000 Genomes Project, or Exome Aggregation Consortium.;Missense variant in a gene that has a low rate of benign missense variation and where missense variants are a common mechanism of disease.;The prevalence of the variant in affected individuals is significantly increased compared to the prevalence in controls.;Patient's phenotype or family history is highly specific for a disease with a single genetic etiology.;Assumed de novo, but without confirmation of paternity and maternity.

UniProtKB/Swiss-Prot
No classification provided. Review status: no classification provided. Collection method: not provided. Allele origin: not provided. Not counted in ClinVar's aggregate classification.

Literature cited by the submitters: PubMed 10712197 (cited by 3 submitters); PubMed 24789688 (cited by 3 submitters); PubMed 31617914 (cited by Women's Health and Genetics/Laboratory Corporation of America, LabCorp); PubMed 34449562 (cited by Ambry Genetics).